The following is an entry in ClinVar:

NM_138927.4(SON):c.3536G>T (p.Gly1179Val)

Gene: SON (SON DNA and RNA binding protein; plus strand). Cytogenetic location: 21q22.11.
Variant type: single nucleotide variant.
Coding change: c.3536G>T on transcript NM_138927.4 (MANE Select); coding-DNA position 3536, G replaced by T.
Protein change: p.Gly1179Val; replaces glycine 1179 with valine.
Molecular consequence: missense variant. On other transcripts: non-coding transcript variant (1), intron variant (1).
Genome position (GRCh38, 1-based): chr21:33,552,767, G>T. VCF-style: chr21-33552767-G-T. GRCh37 (hg19) VCF-style: chr21-34925073-G-T.
Other names: c.3536G>T, p.Gly1179Val (NM_001291411.2, NM_032195.3); c.245-4389G>T (NM_001291412.3); short protein forms G1179V.
Identifiers: ClinVar variation 3688306 (VCV003688306.2).
Genomic context (GRCh38, chr21:33,552,767, plus strand): 5'-CGTTGCCACCTGAGGAGCCACCAATGACACCACCATTGCCTCCTGAGGAACCACCAGAGG[G>T]TCCAGCATTGCCCACTGAGCAGTCAGCATTAACAGCTGAAAATACTTGGCCTACAGAGGT-3'
Protein context (NP_620305.3, residues 1169-1189): PPLPPEEPPE[Gly1179Val]PALPTEQSAL

ClinVar aggregate classification (germline): Uncertain significance (1 of 4 stars; one submission).

gnomAD v4.1: 1 of 1,613,802 alleles (0.000062%); highest among the groups gnomAD compares: Admixed American, 0.0017%; no homozygotes.

Submission:

Labcorp Genetics (formerly Invitae), Labcorp
Classification: Uncertain significance. Last evaluated: 2024-10-20. Review status: criteria provided, single submitter. Criteria: Invitae Variant Classification Sherloc (09022015). Collection method: clinical testing. Allele origin: germline.
Comment: This sequence change replaces glycine, which is neutral and non-polar, with valine, which is neutral and non-polar, at codon 1179 of the SON protein (p.Gly1179Val). This variant is not present in population databases (gnomAD no frequency). This variant has not been reported in the literature in individuals affected with SON-related conditions. An algorithm developed to predict the effect of missense changes on protein structure and function (PolyPhen-2) suggests that this variant is likely to be disruptive. In summary, the available evidence is currently insufficient to determine the role of this variant in disease. Therefore, it has been classified as a Variant of Uncertain Significance.